The following is an entry in ClinVar:

ClinVar aggregate classification (germline): Benign (1 of 4 stars; one submission).

Allele frequency attached by ClinVar (database versions not stated): 1000 Genomes Project 30x 0.75250; TOPMed 0.81970; gnomAD exomes 0.90213.

Submission:

Unidad de Genómica Garrahan, Hospital de Pediatría Garrahan
Classification: Benign. Last evaluated: 2024-01-24. Review status: criteria provided, single submitter. Criteria: ACMG Guidelines, 2015. Collection method: clinical testing. Allele origin: germline. Affected: no. Observed: 93 variant alleles.
Comment: This variant is classified as Benign based on local population frequency. This variant was detected in 98% of patients studied by a panel of primary immunodeficiencies. Number of patients: 93. Only high quality variants are reported.

NC_000014.9:g.105855558C>T

Genes: IGH (immunoglobulin heavy locus; minus strand), IGHM (immunoglobulin heavy constant mu; minus strand). Cytogenetic location: 14q32.33.
Variant type: single nucleotide variant.
Genome position: GRCh38 VCF-style: chr14-105855558-C-T. GRCh37 (hg19) VCF-style: chr14-106321663-T-T.
Identifiers: ClinVar variation 2688227 (VCV002688227.2), dbSNP rs1059216, ClinGen allele CA266543130.
Genomic context (GRCh38, chr14:105,855,558, plus strand): 5'-ACGCATTCTGCTGGAAGGTCAGGCCCCTGTGATCCACGCGGCAGGTGAACATGCTCTGGC[C>T]GAGCCAGTCGCTCTCTTTGATGGTCAGTGTGCTGGTCACCTTGTAGGTCGTGGGCCCAGA-3'